The following is an entry in ClinVar:

NM_001182.5(ALDH7A1):c.203C>A (p.Thr68Asn)

Gene: ALDH7A1 (aldehyde dehydrogenase 7 family member A1; minus strand). Cytogenetic location: 5q23.2.
Variant type: single nucleotide variant.
Coding change: c.203C>A on transcript NM_001182.5 (MANE Select); coding-DNA position 203, C replaced by A.
Protein change: p.Thr68Asn; replaces threonine 68 with asparagine.
Molecular consequence: missense variant.
Genome position (GRCh38, 1-based): chr5:126,593,394, G>T on the plus strand (C>A on the coding strand, the complement: ALDH7A1 is on the minus strand). VCF-style: chr5-126593394-G-T. GRCh37 (hg19) VCF-style: chr5-125929086-G-T.
Other names: p.T68N:ACC>AAC; c.119C>A, p.Thr40Asn (NM_001201377.2); c.203C>A, p.Thr68Asn (NM_001202404.2); short protein forms T68N, T40N.
Identifiers: ClinVar variation 204835 (VCV000204835.21), dbSNP rs58528748, ClinGen allele CA313177.

ClinVar aggregate classification (germline): Conflicting classifications of pathogenicity. Review status: criteria provided, conflicting classifications (1 of 4 stars). 7 submissions from 7 submitters: Uncertain significance (5); Likely benign (1). 1 of the submissions does not count toward it. Last evaluated 2026-01-19.

Conditions:
Inborn genetic diseases. Identifiers: MedGen C0950123, MeSH D030342.
Pyridoxine-dependent epilepsy (EPEO4). Also called: Pyridoxine-Dependent Seizures; Pyridoxine-Dependent Epilepsy - ALDH7A1; PYRIDOXINE DEPENDENCY WITH SEIZURES; EPILEPSY, EARLY-ONSET, 4, VITAMIN B6-DEPENDENT. Identifiers: Orphanet 3006, MedGen C1849508, MONDO:0009945, OMIM 266100. Disease mechanism: loss of function.
Intractable seizure. Also called: Intractable seizures. Identifiers: MedGen C2674422.

Allele frequency attached by ClinVar (database versions not stated): gnomAD 0.00031 and 0.00032; 1000 Genomes Project 0.00040; ESP Exome Variant Server 0.00046; gnomAD exomes 0.00003 and 0.00010; TOPMed 0.00041; ExAC 0.00015; 1000 Genomes Project 30x 0.00031.
gnomAD v4.1: 98 of 1,613,406 alleles (0.0061%); highest among the groups gnomAD compares: African/African-American, 0.11%; no homozygotes.

Submissions (7):

Labcorp Genetics (formerly Invitae), Labcorp
Classification: Likely benign for Pyridoxine-dependent epilepsy. Last evaluated: 2026-01-19. Review status: criteria provided, single submitter. Criteria: Invitae Variant Classification Sherloc (09022015). Collection method: clinical testing. Allele origin: germline.

GeneDx
Classification: Uncertain significance. Last evaluated: 2025-07-03. Review status: criteria provided, single submitter. Criteria: GeneDx Variant Classification Process June 2021. Collection method: clinical testing. Allele origin: germline. Affected: yes.
Comment: Published functional studies using an E.coli-based expression system suggest that this variant results in decreased expression; however additional studies are needed to validate the functional effect of this variant in vivo (PMID: 30043187); In silico analysis suggests that this missense variant does not alter protein structure/function; This variant is associated with the following publications: (PMID: 30043187)

Ambry Genetics
Classification: Uncertain significance for Inborn genetic diseases. Last evaluated: 2021-06-08. Review status: criteria provided, single submitter. Criteria: Ambry Variant Classification Scheme 2023. Collection method: clinical testing. Allele origin: germline.

New York Genome Center
Classification: Uncertain significance for Pyridoxine-dependent epilepsy. Last evaluated: 2020-06-29. Review status: criteria provided, single submitter. Criteria: NYGC Assertion Criteria 2020. Collection method: clinical testing. Allele origin: inherited. Observed: 1 heterozygote. Study: CSER-NYCKidSeq.

Revvity Omics, Revvity
Classification: Uncertain significance for Pyridoxine-dependent epilepsy. Last evaluated: 2019-11-21. Review status: criteria provided, single submitter. Criteria: ACMG Guidelines, 2015. Collection method: clinical testing. Allele origin: germline.

Baylor Genetics
Classification: Uncertain significance for Pyridoxine-dependent epilepsy. Last evaluated: 2019-07-11. Review status: criteria provided, single submitter. Criteria: ACMG Guidelines, 2015. Collection method: clinical testing. Allele origin: unknown. Affected: yes.
Comment: This variant was determined to be of uncertain significance according to ACMG Guidelines, 2015 [PMID:25741868].

Clinical Molecular Genetics Laboratory, Johns Hopkins All Children's Hospital
Classification: Uncertain significance for intractable seizures. Last evaluated: 2017-02-10. Review status: no assertion criteria provided. Collection method: clinical testing. Allele origin: germline. Affected: yes. Not counted in ClinVar's aggregate classification.